The following is an entry in ClinVar:

NM_025099.6(CTC1):c.3476T>C (p.Phe1159Ser)

Gene: CTC1 (CST telomere replication complex component 1; minus strand). Cytogenetic location: 17p13.1.
Variant type: single nucleotide variant.
Coding change: c.3476T>C on transcript NM_025099.6 (MANE Select); coding-DNA position 3476, T replaced by C.
Protein change: p.Phe1159Ser; replaces phenylalanine 1159 with serine.
Molecular consequence: missense variant. On other transcripts: non-coding transcript variant (1).
Genome position (GRCh38, 1-based): chr17:8,228,541, A>G on the plus strand (T>C on the coding strand, the complement: CTC1 is on the minus strand). VCF-style: chr17-8228541-A-G. GRCh37 (hg19) VCF-style: chr17-8131859-A-G.
Other names: c.3245T>C, p.Phe1082Ser (NM_001411067.1); short protein forms F1082S, F1159S.
Identifiers: ClinVar variation 2850552 (VCV002850552.3), dbSNP rs2507862205, ClinGen allele CA397968307.
Genomic context (GRCh38, chr17:8,228,541, plus strand): 5'-ATCCCCCCGTCTCCAACCTTACCTAATGGGACGATCTTCGACGGTTTCCTTTCCAGCTCA[A>G]AAGAAAGCACAATAGGACGGAGGACAGAGGGGCTAGTACAAAGTGTCCAGAGGAACATGG-3'
Protein context (NP_079375.3, residues 1149-1169): PSVLRPIVLS[Phe1159Ser]ELERKPSKIV

ClinVar aggregate classification (germline): Uncertain significance (1 of 4 stars; one submission).

Conditions:
Dyskeratosis congenita. Identifiers: Orphanet 1775, MedGen C0265965, MONDO:0015780.

Allele frequency attached by ClinVar (database versions not stated): gnomAD exomes below 0.00001.
gnomAD v4.1: 1 of 1,614,148 alleles (0.000062%); highest among the groups gnomAD compares: East Asian, 0.0022%; no homozygotes.

Submission:

Labcorp Genetics (formerly Invitae), Labcorp
Classification: Uncertain significance for Dyskeratosis congenita. Last evaluated: 2023-03-29. Review status: criteria provided, single submitter. Criteria: Invitae Variant Classification Sherloc (09022015). Collection method: clinical testing. Allele origin: germline.
Comment: In summary, the available evidence is currently insufficient to determine the role of this variant in disease. Therefore, it has been classified as a Variant of Uncertain Significance. An algorithm developed to predict the effect of missense changes on protein structure and function (PolyPhen-2) suggests that this variant is likely to be disruptive. This variant has not been reported in the literature in individuals affected with CTC1-related conditions. This variant is not present in population databases (gnomAD no frequency). This sequence change replaces phenylalanine, which is neutral and non-polar, with serine, which is neutral and polar, at codon 1159 of the CTC1 protein (p.Phe1159Ser).